The following is an entry in ClinVar:

ClinVar aggregate classification (germline): Uncertain significance (1 of 4 stars; one submission).

Conditions:
Arrhythmogenic cardiomyopathy with wooly hair and keratoderma. Also called: PALMOPLANTAR KERATODERMA WITH LEFT VENTRICULAR CARDIOMYOPATHY AND WOOLLY HAIR; Carvajal syndrome; Dilated cardiomyopathy with woolly hair and keratoderma; Arrhythmogenic cardiomyopathy with woolly hair and keratoderma. Identifiers: Orphanet 65282, MedGen C1854063, MONDO:0011581, OMIM 605676.
Arrhythmogenic right ventricular dysplasia 8 (ARVD8). Also called: Arrhythmogenic Right Ventricular Dysplasia/Cardiomyopathy 8; ARRHYTHMOGENIC RIGHT VENTRICULAR DYSPLASIA, FAMILIAL, 8; ARRHYTHMOGENIC RIGHT VENTRICULAR CARDIOMYOPATHY 8. Identifiers: MedGen C1843896, MONDO:0011831, OMIM 607450.

Submission:

Labcorp Genetics (formerly Invitae), Labcorp
Classification: Uncertain significance for Arrhythmogenic cardiomyopathy with wooly hair and keratoderma; Arrhythmogenic right ventricular dysplasia 8. Last evaluated: 2023-11-15. Review status: criteria provided, single submitter. Criteria: Invitae Variant Classification Sherloc (09022015). Collection method: clinical testing. Allele origin: germline.
Comment: This sequence change replaces threonine, which is neutral and polar, with serine, which is neutral and polar, at codon 2068 of the DSP protein (p.Thr2068Ser). This variant is not present in population databases (gnomAD no frequency). This variant has not been reported in the literature in individuals affected with DSP-related conditions. An algorithm developed to predict the effect of missense changes on protein structure and function (PolyPhen-2) suggests that this variant is likely to be tolerated. In summary, the available evidence is currently insufficient to determine the role of this variant in disease. Therefore, it has been classified as a Variant of Uncertain Significance.

NM_004415.4(DSP):c.6203C>G (p.Thr2068Ser)

Gene: DSP (desmoplakin; plus strand). Cytogenetic location: 6p24.3.
Variant type: single nucleotide variant.
Coding change: c.6203C>G on transcript NM_004415.4 (MANE Select); coding-DNA position 6203, C replaced by G.
Protein change: p.Thr2068Ser; replaces threonine 2068 with serine.
Molecular consequence: missense variant.
Genome position (GRCh38, 1-based): chr6:7,583,465, C>G. VCF-style: chr6-7583465-C-G. GRCh37 (hg19) VCF-style: chr6-7583698-C-G.
Other names: c.4406C>G, p.Thr1469Ser (NM_001008844.3); c.4874C>G, p.Thr1625Ser (NM_001319034.2); short protein forms T1625S, T2068S, T1469S.
Identifiers: ClinVar variation 2940821 (VCV002940821.3), dbSNP rs2533939895, ClinGen allele CA362690300.
Genomic context (GRCh38, chr6:7,583,465, plus strand): 5'-TTCTGGAGGCCCAGGCAGCTACAGGTGGTATAATTGATCCCCATCGGAATGAGAAGCTGA[C>G]TGTCGACAGTGCCATAGCTCGGGACCTCATTGACTTCGATGACCGTCAGCAGATATATGC-3'
Protein context (NP_004406.2, residues 2058-2078): IIDPHRNEKL[Thr2068Ser]VDSAIARDLI